The following is an entry in ClinVar:

NM_001957.4(EDNRA):c.24A>G (p.Ala8=)

Gene: EDNRA (endothelin receptor type A; plus strand). Cytogenetic location: 4q31.22.
Variant type: single nucleotide variant.
Coding change: c.24A>G on transcript NM_001957.4 (MANE Select); coding-DNA position 24, A replaced by G.
Protein change: p.Ala8=; no amino-acid change (alanine 8 retained).
Molecular consequence: synonymous variant. On other transcripts: non-coding transcript variant (1).
Genome position (GRCh38, 1-based): chr4:147,485,705, A>G. VCF-style: chr4-147485705-A-G. GRCh37 (hg19) VCF-style: chr4-148406857-A-G.
Other names: c.24A>G (NM_001957.3); c.24A>G, p.Ala8= (NM_001354797.2, NM_001166055.2).
Identifiers: ClinVar variation 1166335 (VCV001166335.12), dbSNP rs146092355, ClinGen allele CA3097816.

ClinVar aggregate classification (germline): Benign/Likely benign. Review status: criteria provided, multiple submitters, no conflicts (2 of 4 stars). 4 submissions from 4 submitters: Benign (1); Likely benign (3). Last evaluated 2026-06-16.

Conditions:
EDNRA-related disorder. Also called: EDNRA-related condition.
Mandibulofacial dysostosis with alopecia (MFDA). Identifiers: Orphanet 443995, MedGen C4225349, MONDO:0014608, OMIM 616367.
Migraine with or without aura, susceptibility to, 1. Identifiers: MedGen C3887485, MONDO:0008000, OMIM 157300.

Allele frequency attached by ClinVar (database versions not stated): gnomAD exomes 0.00007 and 0.00021; ExAC 0.00026; 1000 Genomes Project 0.00060; gnomAD 0.00088 and 0.00096; ESP Exome Variant Server 0.00092; 1000 Genomes Project 30x 0.00109; TOPMed 0.00111.
gnomAD v4.1: 243 of 1,609,230 alleles (0.015%); highest among the groups gnomAD compares: African/African-American, 0.3%; no homozygotes.

Submissions (4):

PreventionGenetics, part of Exact Sciences
Classification: Likely benign for EDNRA-related condition. Last evaluated: 2026-06-16. Review status: criteria provided, single submitter. Criteria: ACMG Guidelines, 2015. Collection method: clinical testing. Allele origin: germline.
Comment: This variant is classified as likely benign based on ACMG/AMP sequence variant interpretation guidelines (Richards et al. 2015 PMID: 25741868, with internal and published modifications).

Labcorp Genetics (formerly Invitae), Labcorp
Classification: Benign. Last evaluated: 2025-01-15. Review status: criteria provided, single submitter. Criteria: Invitae Variant Classification Sherloc (09022015). Collection method: clinical testing. Allele origin: germline.

Blueprint Genetics
Classification: Likely benign. Last evaluated: 2024-06-10. Review status: criteria provided, single submitter. Criteria: ACMG Guidelines, 2015. Collection method: clinical testing. Allele origin: germline.

Fulgent Genetics
Classification: Likely benign for Migraine with or without aura, susceptibility to, 1; Mandibulofacial dysostosis with alopecia. Last evaluated: 2021-07-26. Review status: criteria provided, single submitter. Criteria: ACMG Guidelines, 2015. Collection method: clinical testing. Allele origin: unknown.